The following is an entry in ClinVar:

NM_000532.5(PCCB):c.654+462A>G

Gene: PCCB (propionyl-CoA carboxylase subunit beta; plus strand). Cytogenetic location: 3q22.3.
Variant type: single nucleotide variant.
Coding change: c.654+462A>G on transcript NM_000532.5 (MANE Select); 462 bases into the intron after coding-DNA position 654, A replaced by G.
Molecular consequence: intron variant.
Genome position (GRCh38, 1-based): chr3:136,284,409, A>G. VCF-style: chr3-136284409-A-G. GRCh37 (hg19) VCF-style: chr3-136003251-A-G.
Other names: IVS6, A-G, +462; c.714+462A>G (NM_001178014.2).
Identifiers: ClinVar variation 12019 (VCV000012019.10), dbSNP rs1576327011, ClinGen allele CA913187449.

ClinVar aggregate classification (germline): Pathogenic/Likely pathogenic. Review status: criteria provided, multiple submitters, no conflicts (2 of 4 stars). 5 submissions from 5 submitters: Pathogenic (3); Likely pathogenic (1). 1 of the submissions does not count toward it. Last evaluated 2026-01-03.

Conditions:
Propionic acidemia (PROP). Also called: GLYCINEMIA, KETOTIC; HYPERGLYCINEMIA WITH KETOACIDOSIS AND LEUKOPENIA; KETOTIC HYPERGLYCINEMIA. Identifiers: Orphanet 35, MedGen C0268579, MONDO:0011628, OMIM 606054, HP:0003571.

Submissions (5):

Labcorp Genetics (formerly Invitae), Labcorp
Classification: Pathogenic for Propionic acidemia. Last evaluated: 2026-01-03. Review status: criteria provided, single submitter. Criteria: Invitae Variant Classification Sherloc (09022015). Collection method: clinical testing. Allele origin: germline.
Comment: This sequence change falls in intron 6 of the PCCB gene. It does not directly change the encoded amino acid sequence of the PCCB protein. RNA analysis indicates that this variant induces altered splicing and may result in an absent or altered protein product. This variant is not present in population databases (gnomAD no frequency). This variant has been observed in individual(s) with propionic acidemia (PMID: 17966092, 20549364; internal data). In at least one individual the data is consistent with being in trans (on the opposite chromosome) from a pathogenic variant. ClinVar contains an entry for this variant (Variation ID: 12019). Studies have shown that this variant results in insertion of 72 nucleotides, and produces a non-functional protein and/or introduces a premature termination codon (PMID: 17966092). For these reasons, this variant has been classified as Pathogenic.

Natera, Inc.
Classification: Likely pathogenic for Propionic acidemia. Last evaluated: 2025-03-26. Review status: criteria provided, single submitter. Criteria: Natera Variant Classification Schema (03/2026). Collection method: clinical testing. Allele origin: germline.
Comment: The c.654+462A>G variant in PCCB is an intronic variant located outside the canonical splice sites. This variant is rare in the general population with a frequency below the threshold expected for the associated phenotype(s). This variant has been observed in one or more individuals affected with the associated recessive disease, as either homozygous or compound heterozygous with a second variant (PMID: 17966092, 20549364). Functional studies show that this variant may disrupt protein function (PMID: 17966092). Given the available evidence, this variant is classified as Likely Pathogenic.

Baylor Genetics
Classification: Pathogenic for Propionic acidemia. Last evaluated: 2023-07-18. Review status: criteria provided, single submitter. Criteria: ACMG Guidelines, 2015. Collection method: clinical testing. Allele origin: unknown.

Greenwood Genetic Center Diagnostic Laboratories, Greenwood Genetic Center
Classification: Pathogenic for Propionic acidemia. Last evaluated: 2023-02-28. Review status: criteria provided, single submitter. Criteria: ACMG Guidelines, 2015. Collection method: clinical testing. Allele origin: germline. Affected: yes.
Comment: PM2, PM3_Supporting, PS3_Very Strong

OMIM
Classification: Pathogenic for PROPIONIC ACIDEMIA. Last evaluated: 2007-12-01. Review status: no assertion criteria provided. Collection method: literature only. Allele origin: germline. Not counted in ClinVar's aggregate classification.

Literature cited by the submitters: PubMed 17966092 (cited by 3 submitters); PubMed 20549364 (cited by Labcorp Genetics (formerly Invitae), Labcorp and Natera, Inc.).